The following is an entry in ClinVar:

NM_177977.3(HAP1):c.1323G>A (p.Thr441=)

Gene: HAP1 (huntingtin associated protein 1; minus strand). Cytogenetic location: 17q21.2.
Variant type: single nucleotide variant.
Coding change: c.1323G>A on transcript NM_177977.3 (MANE Select); coding-DNA position 1323, G replaced by A.
Protein change: p.Thr441=; no amino-acid change (threonine 441 retained).
Molecular consequence: synonymous variant.
Genome position (GRCh38, 1-based): chr17:41,727,097, C>T on the plus strand (G>A on the coding strand, the complement: HAP1 is on the minus strand). VCF-style: chr17-41727097-C-T. GRCh37 (hg19) VCF-style: chr17-39883349-C-T.
Other names: c.1272G>A, p.Thr424= (NM_001079870.1); c.1248G>A, p.Thr416= (NM_001079871.1, NM_001367461.1, NM_001367462.1); c.1419G>A, p.Thr473= (NM_001367459.1); c.1383G>A, p.Thr461= (NM_001367460.1).
Identifiers: ClinVar variation 3048462 (VCV003048462.2), dbSNP rs782470877, ClinGen allele CA8564375.
Genomic context (GRCh38, chr17:41,727,097, plus strand): 5'-GGCCCCAGCCACGCACCTCTCCATAAAATACACAGGGTCTGAGATCATCCTCCTTAGAGA[C>T]GTTCTGAGCTCCTCAGCCAGCGTCTCCTGGAAACCAGGAAGAGTCTCCTATGGTGGAGAG-3'
Protein context (NP_817084.2, residues 431-451): FQETLAEELR[Thr441=]SLRRMISDPV

ClinVar aggregate classification (germline): Likely benign (0 of 4 stars; one submission).

Conditions:
HAP1-related disorder. Also called: HAP1-related condition.

Allele frequency attached by ClinVar (database versions not stated): gnomAD 0.00007; TOPMed 0.00008; ExAC 0.00010; gnomAD exomes 0.00012.
gnomAD v4.1: 181 of 1,593,162 alleles (0.011%); highest among the groups gnomAD compares: Non-Finnish European, 0.014%; no homozygotes.

Submission:

PreventionGenetics, part of Exact Sciences
Classification: Likely benign for HAP1-related condition. Last evaluated: 2019-02-28. Review status: no assertion criteria provided. Collection method: clinical testing. Allele origin: germline.
Comment: This variant is classified as likely benign based on ACMG/AMP sequence variant interpretation guidelines (Richards et al. 2015 PMID: 25741868, with internal and published modifications).